The following is an entry in ClinVar:

ClinVar aggregate classification (germline): Likely pathogenic (1 of 4 stars; one submission).

Submission:

Labcorp Genetics (formerly Invitae), Labcorp
Classification: Likely pathogenic. Last evaluated: 2017-08-29. Review status: criteria provided, single submitter. Criteria: Invitae Variant Classification Sherloc (09022015). Collection method: clinical testing. Allele origin: germline.
Comment: In summary, the currently available evidence indicates that the variant is pathogenic, but additional data are needed to prove that conclusively. Therefore, this variant has been classified as Likely Pathogenic. Loss-of-function variants in DARS2 are known to be pathogenic (PMID: 17384640, 24566671). Sub-genic duplications are generally in tandem (PMID: 25640679), and result in an absent or disrupted protein. This variant has not been reported in the literature in individuals with DARS2-related disease. This variant is a gross duplication of the genomic region encompassing exons 3-6 of the DARS2 gene.

Literature cited by the submitters: PubMed 17384640; PubMed 24566671; PubMed 25640679.

NC_000001.10:g.(?_173797471)_(173802637_?)dup

Gene: DARS2 (aspartyl-tRNA synthetase 2, mitochondrial; plus strand). Cytogenetic location: 1q25.1.
Variant type: Duplication.
Identifiers: ClinVar variation 1066502 (VCV001066502.7).